The following is an entry in ClinVar:

ClinVar aggregate classification (germline): Uncertain significance (1 of 4 stars; one submission).

Conditions:
TUBGCP2-related disorder. Also called: TUBGCP2-related condition.

Submission:

PreventionGenetics, part of Exact Sciences
Classification: Uncertain significance for TUBGCP2-related condition. Last evaluated: 2025-07-12. Review status: criteria provided, single submitter. Criteria: ACMG Guidelines, 2015. Collection method: clinical testing. Allele origin: germline.
Comment: The TUBGCP2 c.1562_1565delACTA variant is predicted to result in a frameshift and premature protein termination (p.Asn521Thrfs*10). To our knowledge, this variant has not been reported in the literature. This variant is reported in 0.00088% of alleles in individuals of European (Non-Finnish) descent in gnomAD. Loss of function is not an established mechanism of TUBGCP2-related disease. Although we suspect that this variant may be pathogenic, at this time, the clinical significance of this variant is uncertain due to the absence of conclusive functional and genetic evidence.

NM_006659.4(TUBGCP2):c.1478_1481del (p.Asn493fs)

Gene: TUBGCP2 (tubulin gamma complex component 2; minus strand). Cytogenetic location: 10q26.3.
Variant type: Deletion.
Coding change: c.1478_1481del on transcript NM_006659.4 (MANE Select); coding-DNA positions 1478 to 1481, 4 bases deleted (ACTA; older notation c.1478_1481delACTA).
Protein change: p.Asn493fs; shifts the reading frame from asparagine 493.
Molecular consequence: frameshift variant. On other transcripts: non-coding transcript variant (1).
Genome position (GRCh38, 1-based): chr10:133,288,900-133,288,903, TAGT deleted on the plus strand (ACTA on the coding strand, the reverse complement: TUBGCP2 is on the minus strand); deleting any 4 consecutive bases within chr10:133,288,900-133,288,905 gives the same sequence; the c. name uses the placement nearest the transcript's 3' end. VCF-style (leftmost placement, unchanged base first): chr10-133288899-GTAGT-G. GRCh37 (hg19) VCF-style: chr10-135102403-GTAGT-G.
Other names: c.1562_1565del, p.Asn521fs (NM_001256617.2); c.1088_1091del, p.Asn363fs (NM_001256618.2); short protein forms N363fs, N493fs, N521fs.
Identifiers: ClinVar variation 4982132 (VCV004982132.1).